The following is an entry in ClinVar:

ClinVar aggregate classification (germline): Uncertain significance (1 of 4 stars; one submission).

Conditions:
Baller-Gerold syndrome (BGS). Also called: CRANIOSYNOSTOSIS WITH RADIAL DEFECTS. Identifiers: Orphanet 1225, MedGen C0265308, MONDO:0009039, OMIM 218600.

Submission:

Labcorp Genetics (formerly Invitae), Labcorp
Classification: Uncertain significance for Baller-Gerold syndrome. Last evaluated: 2025-09-22. Review status: criteria provided, single submitter. Criteria: Invitae Variant Classification Sherloc (09022015). Collection method: clinical testing. Allele origin: germline.
Comment: This sequence change replaces serine, which is neutral and polar, with phenylalanine, which is neutral and non-polar, at codon 135 of the RECQL4 protein (p.Ser135Phe). This variant is not present in population databases (gnomAD no frequency). This variant has not been reported in the literature in individuals affected with RECQL4-related conditions. ClinVar contains an entry for this variant (Variation ID: 1510496). Invitae Evidence Modeling of protein sequence and biophysical properties (such as structural, functional, and spatial information, amino acid conservation, physicochemical variation, residue mobility, and thermodynamic stability) indicates that this missense variant is not expected to disrupt RECQL4 protein function with a negative predictive value of 80%. In summary, the available evidence is currently insufficient to determine the role of this variant in disease. Therefore, it has been classified as a Variant of Uncertain Significance.

NM_004260.4(RECQL4):c.404C>T (p.Ser135Phe)

Gene: RECQL4 (RecQ like helicase 4; minus strand). Cytogenetic location: 8q24.3.
Variant type: single nucleotide variant.
Coding change: c.404C>T on transcript NM_004260.4 (MANE Select); coding-DNA position 404, C replaced by T.
Protein change: p.Ser135Phe; replaces serine 135 with phenylalanine.
Molecular consequence: missense variant.
Genome position (GRCh38, 1-based): chr8:144,516,715, G>A on the plus strand (C>T on the coding strand, the complement: RECQL4 is on the minus strand). VCF-style: chr8-144516715-G-A. GRCh37 (hg19) VCF-style: chr8-145742099-G-A.
Other names: short protein forms S135F.
Identifiers: ClinVar variation 1510496 (VCV001510496.6), dbSNP rs748201614, ClinGen allele CA372691609.